The following is an entry in ClinVar:

ClinVar aggregate classification (germline): Pathogenic (1 of 4 stars; one submission).

Conditions:
Peroxisome biogenesis disorder. Identifiers: Orphanet 79189, MedGen C1832200, MONDO:0019234. Disease mechanism: loss of function.

Submission:

Labcorp Genetics (formerly Invitae), Labcorp
Classification: Pathogenic for Peroxisome biogenesis disorder. Last evaluated: 2022-12-31. Review status: criteria provided, single submitter. Criteria: Invitae Variant Classification Sherloc (09022015). Collection method: clinical testing. Allele origin: germline.
Comment: For these reasons, this variant has been classified as Pathogenic. This variant has not been reported in the literature in individuals affected with PEX16-related conditions. This variant is not present in population databases (gnomAD no frequency). This sequence change creates a premature translational stop signal (p.Ala20Profs*64) in the PEX16 gene. It is expected to result in an absent or disrupted protein product. Loss-of-function variants in PEX16 are known to be pathogenic (PMID: 9837814, 11890679, 20647552, 20681997).

Literature cited by the submitters: PubMed 9837814; PubMed 11890679; PubMed 20647552; PubMed 20681997.

NM_004813.4(PEX16):c.58del (p.Ala20fs)

Gene: PEX16 (peroxisomal biogenesis factor 16; minus strand). Cytogenetic location: 11p11.2.
Variant type: Deletion.
Coding change: c.58del on transcript NM_004813.4 (MANE Select); coding-DNA position 58, one base deleted (G; older notation c.58delG).
Protein change: p.Ala20fs; shifts the reading frame from alanine 20.
Molecular consequence: frameshift variant.
Genome position (GRCh38, 1-based): chr11:45,917,754, C deleted on the plus strand (G on the coding strand, the reverse complement: PEX16 is on the minus strand); the first of 2 consecutive C bases (chr11:45,917,754-45,917,755); deleting either gives the same sequence. VCF-style (leftmost placement, unchanged base first): chr11-45917753-GC-G. GRCh37 (hg19) VCF-style: chr11-45939304-GC-G.
Other names: c.58del, p.Ala20fs (NM_057174.3); short protein forms A20fs.
Identifiers: ClinVar variation 2821361 (VCV002821361.3), dbSNP rs2494917564, ClinGen allele CA2739270408.